The following is an entry in ClinVar:

NM_213653.4(HJV):c.1257T>G (p.Phe419Leu)

Gene: HJV (hemojuvelin BMP co-receptor; minus strand). Cytogenetic location: 1q21.1.
Variant type: single nucleotide variant.
Coding change: c.1257T>G on transcript NM_213653.4 (MANE Select); coding-DNA position 1257, T replaced by G.
Protein change: p.Phe419Leu; replaces phenylalanine 419 with leucine.
Molecular consequence: missense variant.
Genome position (GRCh38, 1-based): chr1:146,018,101, A>C on the plus strand (T>G on the coding strand, the complement: HJV is on the minus strand). VCF-style: chr1-146018101-A-C. GRCh37 (hg19) VCF-style: chr1-145416912-T-G.
Other names: c.579T>G, p.Phe193Leu (NM_001316767.2, NM_202004.4, NM_213652.4); c.1257T>G, p.Phe419Leu (NM_001379352.1); c.918T>G, p.Phe306Leu (NM_145277.5); short protein forms F419L, F306L, F193L.
Identifiers: ClinVar variation 292434 (VCV000292434.11), dbSNP rs782429427, ClinGen allele CA1053992.

ClinVar aggregate classification (germline): Uncertain significance. Review status: criteria provided, multiple submitters, no conflicts (2 of 4 stars). 3 submissions from 3 submitters: Uncertain significance (2). 1 of the submissions does not count toward it. Last evaluated 2024-04-13.

Conditions:
Hemochromatosis type 2A (HFE2A). Also called: Adult-Onset Hemochromatosis; HJV (HFE2)-Related Juvenile Hemochromatosis. Identifiers: Orphanet 79230, MedGen C1865614, MONDO:0011216, OMIM 602390.

Allele frequency attached by ClinVar (database versions not stated): gnomAD 0.00002; TOPMed 0.00005; ExAC 0.00012; gnomAD exomes 0.00012.
gnomAD v4.1: 23 of 1,614,002 alleles (0.0014%); highest among the groups gnomAD compares: East Asian, 0.045%; no homozygotes.

Submissions (3):

Labcorp Genetics (formerly Invitae), Labcorp
Classification: Uncertain significance. Last evaluated: 2024-04-13. Review status: criteria provided, single submitter. Criteria: Invitae Variant Classification Sherloc (09022015). Collection method: clinical testing. Allele origin: germline.
Comment: This sequence change replaces phenylalanine, which is neutral and non-polar, with leucine, which is neutral and non-polar, at codon 419 of the HJV protein (p.Phe419Leu). This variant is present in population databases (rs782429427, gnomAD 0.2%). This variant has not been reported in the literature in individuals affected with HJV-related conditions. ClinVar contains an entry for this variant (Variation ID: 292434). Algorithms developed to predict the effect of missense changes on protein structure and function output the following: SIFT: "Not Available"; PolyPhen-2: "Benign"; Align-GVGD: "Not Available". The leucine amino acid residue is found in multiple mammalian species, which suggests that this missense change does not adversely affect protein function. In summary, the available evidence is currently insufficient to determine the role of this variant in disease. Therefore, it has been classified as a Variant of Uncertain Significance.

Illumina Laboratory Services, Illumina
Classification: Uncertain significance for Hemochromatosis type 2A. Last evaluated: 2018-01-13. Review status: criteria provided, single submitter. Criteria: ICSL Variant Classification Criteria 13 December 2019. Collection method: clinical testing. Allele origin: germline.

Natera, Inc.
Classification: Uncertain significance for Hemochromatosis type 2A. Last evaluated: 2020-06-19. Review status: no assertion criteria provided. Collection method: clinical testing. Allele origin: germline. Not counted in ClinVar's aggregate classification.